The following is an entry in ClinVar:

ClinVar aggregate classification (germline): Benign/Likely benign. Review status: criteria provided, multiple submitters, no conflicts (2 of 4 stars). 5 submissions from 5 submitters: Benign (1); Likely benign (4). Last evaluated 2026-01-01.

Conditions:
Developmental and epileptic encephalopathy 94 (DEE94). Also called: Epileptic encephalopathy, childhood-onset; CHD2-Related Neurodevelopmental Disorders. Identifiers: Orphanet 1942, Orphanet 2382, MedGen C3809278, MONDO:0014150, OMIM 615369.

Allele frequency attached by ClinVar (database versions not stated): gnomAD 0.00003 and 0.00007; TOPMed 0.00003; gnomAD exomes 0.00012 and 0.00023; 1000 Genomes Project 0.00020; ExAC 0.00025; 1000 Genomes Project 30x 0.00047.
gnomAD v4.1: 174 of 1,606,868 alleles (0.011%); highest among the groups gnomAD compares: South Asian, 0.17%; 3 homozygotes.

Submissions (5):

CeGaT Center for Human Genetics Tuebingen
Classification: Likely benign. Last evaluated: 2026-01-01. Review status: criteria provided, single submitter. Criteria: CeGaT Center For Human Genetics Tuebingen Variant Classification Criteria Version 2. Collection method: clinical testing. Allele origin: germline. Affected: yes. Observed: 1 variant allele.
Comment: CHD2: BP4, BS1

Labcorp Genetics (formerly Invitae), Labcorp
Classification: Benign for Developmental and epileptic encephalopathy 94. Last evaluated: 2025-01-23. Review status: criteria provided, single submitter. Criteria: Invitae Variant Classification Sherloc (09022015). Collection method: clinical testing. Allele origin: germline.

Blueprint Genetics
Classification: Likely benign. Last evaluated: 2024-09-23. Review status: criteria provided, single submitter. Criteria: ACMG Guidelines, 2015. Collection method: clinical testing. Allele origin: germline.

GeneDx
Classification: Likely benign. Last evaluated: 2016-03-08. Review status: criteria provided, single submitter. Criteria: GeneDx Variant Classification (06012015). Collection method: clinical testing. Allele origin: germline. Affected: yes.
Comment: This variant is considered likely benign or benign based on one or more of the following criteria: it is a conservative change, it occurs at a poorly conserved position in the protein, it is predicted to be benign by multiple in silico algorithms, and/or has population frequency not consistent with disease.

Breakthrough Genomics
Classification: Likely benign. Review status: criteria provided, single submitter. Criteria: ACMG Guidelines, 2015. Collection method: not provided. Allele origin: germline. Inheritance: Autosomal dominant inheritance. Affected: yes.

NM_001271.4(CHD2):c.3734+7A>G

Gene: CHD2 (chromodomain helicase DNA binding protein 2; plus strand). Cytogenetic location: 15q26.1.
Variant type: single nucleotide variant.
Coding change: c.3734+7A>G on transcript NM_001271.4 (MANE Select); 7 bases into the intron after coding-DNA position 3734, A replaced by G.
Molecular consequence: intron variant.
Genome position (GRCh38, 1-based): chr15:92,997,102, A>G. VCF-style: chr15-92997102-A-G. GRCh37 (hg19) VCF-style: chr15-93540332-A-G.
Identifiers: ClinVar variation 384135 (VCV000384135.16), dbSNP rs565514035, ClinGen allele CA7748288.